The following is an entry in ClinVar:

ClinVar aggregate classification (germline): Uncertain significance (1 of 4 stars; one submission).

Submission:

Ambry Genetics
Classification: Uncertain significance. Last evaluated: 2023-05-14. Review status: criteria provided, single submitter. Criteria: Ambry Variant Classification Scheme 2023. Collection method: clinical testing. Allele origin: germline.
Comment: The p.V486G variant (also known as c.1457T>G), located in coding exon 9 of the POLQ gene, results from a T to G substitution at nucleotide position 1457. The valine at codon 486 is replaced by glycine, an amino acid with dissimilar properties. This amino acid position is conserved. In addition, the in silico prediction for this alteration is inconclusive. Since supporting evidence is limited at this time, the clinical significance of this alteration remains unclear.

NM_199420.4(POLQ):c.1457T>G (p.Val486Gly)

Gene: POLQ (DNA polymerase theta; minus strand). Cytogenetic location: 3q13.33.
Variant type: single nucleotide variant.
Coding change: c.1457T>G on transcript NM_199420.4 (MANE Select); coding-DNA position 1457, T replaced by G.
Protein change: p.Val486Gly; replaces valine 486 with glycine.
Molecular consequence: missense variant.
Genome position (GRCh38, 1-based): chr3:121,519,882, A>C on the plus strand (T>G on the coding strand, the complement: POLQ is on the minus strand). VCF-style: chr3-121519882-A-C. GRCh37 (hg19) VCF-style: chr3-121238729-A-C.
Other names: short protein forms V486G.
Identifiers: ClinVar variation 2563839 (VCV002563839.2), dbSNP rs753209191, ClinGen allele CA354118900.